The following is an entry in ClinVar:

NM_032901.4(COX14):c.122G>A (p.Arg41His)

Gene: COX14 (cytochrome c oxidase assembly factor COX14; plus strand). Cytogenetic location: 12q13.12.
Variant type: single nucleotide variant.
Coding change: c.122G>A on transcript NM_032901.4 (MANE Select); coding-DNA position 122, G replaced by A.
Protein change: p.Arg41His; replaces arginine 41 with histidine.
Molecular consequence: missense variant.
Genome position (GRCh38, 1-based): chr12:50,120,165, G>A. VCF-style: chr12-50120165-G-A. GRCh37 (hg19) VCF-style: chr12-50513948-G-A.
Other names: c.122G>A, p.Arg41His (NM_001257133.2, NM_001257134.2); short protein forms R41H.
Identifiers: ClinVar variation 1939917 (VCV001939917.5), dbSNP rs141173025, ClinGen allele CA6561885.
Genomic context (GRCh38, chr12:50,120,165, plus strand): 5'-TTCTCACTGTGTATGGGGGGTACCTCTGCAGTGTCCGAGTCTACCACTATTTCCAGTGGC[G>A]CAGGGCCCAGCGCCAGGCCGCAGAAGAACAGAAGACCTCAGGAATCATGTAGAACTGGGG-3'
Protein context (NP_116290.1, residues 31-51): SVRVYHYFQW[Arg41His]RAQRQAAEEQ

ClinVar aggregate classification (germline): Uncertain significance (1 of 4 stars; one submission).

Allele frequency attached by ClinVar (database versions not stated): TOPMed 0.00001; ESP Exome Variant Server 0.00008.
gnomAD v4.1: 52 of 1,614,034 alleles (0.0032%); highest among the groups gnomAD compares: South Asian, 0.0099%; no homozygotes.

Submission:

Labcorp Genetics (formerly Invitae), Labcorp
Classification: Uncertain significance. Last evaluated: 2024-10-24. Review status: criteria provided, single submitter. Criteria: Invitae Variant Classification Sherloc (09022015). Collection method: clinical testing. Allele origin: germline.
Comment: This sequence change replaces arginine, which is basic and polar, with histidine, which is basic and polar, at codon 41 of the COX14 protein (p.Arg41His). This variant is present in population databases (rs141173025, gnomAD 0.02%). This variant has not been reported in the literature in individuals affected with COX14-related conditions. ClinVar contains an entry for this variant (Variation ID: 1939917). An algorithm developed to predict the effect of missense changes on protein structure and function (PolyPhen-2) suggests that this variant is likely to be disruptive. In summary, the available evidence is currently insufficient to determine the role of this variant in disease. Therefore, it has been classified as a Variant of Uncertain Significance.